The following is an entry in ClinVar:

ClinVar aggregate classification (germline): Pathogenic (1 of 4 stars; one submission).

Conditions:
GNPTAB-mucolipidosis. Also called: UDP-N-acetylglucosamine-1-phosphotransferase subunit alpha/beta deficiency. Identifiers: MedGen CN322573, MONDO:0100122.

Submission:

Myriad Genetics, Inc.
Classification: Pathogenic for GNPTAB-mucolipidosis. Last evaluated: 2023-08-11. Review status: criteria provided, single submitter. Criteria: Myriad Autosomal Dominant, Autosomal Recessive and X-Linked Classification Criteria (2023). Collection method: clinical testing. Allele origin: unknown.
Comment: NM_024312.4(GNPTAB):c.2102C>G(S701*) is expected to be pathogenic in the context of GNPTAB-related disorders. This variant is predicted to lead to an abnormal or absent protein product due to the creation of a premature termination codon in GNPTAB, a gene where loss-of-function variants are known to be pathogenic. Please note: this variant was assessed in the context of healthy population screening.

NM_024312.5(GNPTAB):c.2102C>G (p.Ser701Ter)

Gene: GNPTAB (N-acetylglucosamine-1-phosphate transferase subunits alpha and beta; minus strand). Cytogenetic location: 12q23.2.
Variant type: single nucleotide variant.
Coding change: c.2102C>G on transcript NM_024312.5 (MANE Select); coding-DNA position 2102, C replaced by G.
Protein change: p.Ser701Ter; replaces serine 701 with a stop codon.
Molecular consequence: nonsense.
Genome position (GRCh38, 1-based): chr12:101,764,815, G>C on the plus strand (C>G on the coding strand, the complement: GNPTAB is on the minus strand). VCF-style: chr12-101764815-G-C. GRCh37 (hg19) VCF-style: chr12-102158593-G-C.
Other names: short protein forms S701*.
Identifiers: ClinVar variation 5011321 (VCV005011321.1).
Genomic context (GRCh38, chr12:101,764,815, plus strand): 5'-CCATGTTCCAGTTGCAAATCCAAGGTATTGAGACTCAACTGGGCGTCTTTTGGAAGGAGT[G>C]AAATATTTACCAGGGGAATTTTCACCTCTTCCTGGGCTCTCCTTGTTGAGTTAACATCAT-3'